The following is an entry in ClinVar:

ClinVar aggregate classification (germline): Uncertain significance (1 of 4 stars; one submission).

Submission:

Labcorp Genetics (formerly Invitae), Labcorp
Classification: Uncertain significance. Last evaluated: 2025-11-24. Review status: criteria provided, single submitter. Criteria: Invitae Variant Classification Sherloc (09022015). Collection method: clinical testing. Allele origin: germline.
Comment: This sequence change replaces glycine, which is neutral and non-polar, with cysteine, which is neutral and slightly polar, at codon 13 of the PITPNM3 protein (p.Gly13Cys). Information on the frequency of this variant in the gnomAD database is not available, as this variant may be reported differently in the database. This variant has not been reported in the literature in individuals affected with PITPNM3-related conditions. ClinVar contains an entry for this variant (Variation ID: 1510632). Experimental studies and prediction algorithms are not available or were not evaluated, and the functional significance of this variant is currently unknown. In summary, the available evidence is currently insufficient to determine the role of this variant in disease. Therefore, it has been classified as a Variant of Uncertain Significance.

NM_031220.4(PITPNM3):c.36_37delinsTT (p.Gly13Cys)

Gene: PITPNM3 (PITPNM family member 3; minus strand). Cytogenetic location: 17p13.1.
Variant type: Indel.
Coding change: c.36_37delinsTT on transcript NM_031220.4 (MANE Select); coding-DNA positions 36 to 37, GG replaced by TT.
Protein change: p.Gly13Cys; replaces glycine 13 with cysteine.
Molecular consequence: missense variant.
Genome position (GRCh38, 1-based): chr17:6,538,068-6,538,069, CC replaced by AA on the plus strand (GG replaced by TT on the coding strand, the reverse complement: PITPNM3 is on the minus strand). VCF-style: chr17-6538068-CC-AA. GRCh37 (hg19) VCF-style: chr17-6441388-CC-AA.
Other names: c.36_37delinsTT, p.Gly13Cys (NM_001165966.2); short protein forms G13C.
Identifiers: ClinVar variation 1510632 (VCV001510632.8), dbSNP rs2150665192, ClinGen allele CA2573154479.